The following is an entry in ClinVar:

ClinVar aggregate classification (germline): Uncertain significance (1 of 4 stars; one submission).

Conditions:
DICER1-related tumor predisposition. Also called: DICER1 syndrome; DICER1-related pleuropulmonary blastoma cancer predisposition syndrome. Identifiers: Orphanet 284343, MedGen C3839822, MONDO:0100216.

Submission:

Labcorp Genetics (formerly Invitae), Labcorp
Classification: Uncertain significance for DICER1-related tumor predisposition. Last evaluated: 2022-03-26. Review status: criteria provided, single submitter. Criteria: Invitae Variant Classification Sherloc (09022015). Collection method: clinical testing. Allele origin: germline.
Comment: In summary, the available evidence is currently insufficient to determine the role of this variant in disease. Therefore, it has been classified as a Variant of Uncertain Significance. Algorithms developed to predict the effect of missense changes on protein structure and function output the following: SIFT: "Tolerated"; PolyPhen-2: "Benign"; Align-GVGD: "Class C0". The asparagine amino acid residue is found in multiple mammalian species, which suggests that this missense change does not adversely affect protein function. This variant has not been reported in the literature in individuals affected with DICER1-related conditions. This variant is not present in population databases (gnomAD no frequency). This sequence change replaces aspartic acid, which is acidic and polar, with asparagine, which is neutral and polar, at codon 1266 of the DICER1 protein (p.Asp1266Asn).

NM_177438.3(DICER1):c.3796G>A (p.Asp1266Asn)

Gene: DICER1 (dicer 1, ribonuclease III; minus strand). Cytogenetic location: 14q32.13.
Variant type: single nucleotide variant.
Coding change: c.3796G>A on transcript NM_177438.3 (MANE Select); coding-DNA position 3796, G replaced by A.
Protein change: p.Asp1266Asn; replaces aspartic acid 1266 with asparagine.
Molecular consequence: missense variant. On other transcripts: non-coding transcript variant (6).
Genome position (GRCh38, 1-based): chr14:95,103,600, C>T on the plus strand (G>A on the coding strand, the complement: DICER1 is on the minus strand). VCF-style: chr14-95103600-C-T. GRCh37 (hg19) VCF-style: chr14-95569937-C-T.
Other names: c.3796G>A, p.Asp1266Asn (NM_001195573.1, NM_001271282.3, NM_001291628.2 and 13 more transcripts); c.3514G>A, p.Asp1172Asn (NM_001395686.1); c.3391G>A, p.Asp1131Asn (NM_001395687.1, NM_001395688.1, NM_001395689.1 and 2 more transcripts); c.3229G>A, p.Asp1077Asn (NM_001395691.1); c.2113G>A, p.Asp705Asn (NM_001395697.1); short protein forms D1131N, D1077N, D705N, D1172N, D1266N.
Identifiers: ClinVar variation 2116967 (VCV002116967.4), dbSNP rs1060503654, ClinGen allele CA390873433.
Genomic context (GRCh38, chr14:95,103,600, plus strand): 5'-AGTACCCAATAGAAGGGCTCTGCTCAGAATCCATCCTGCCCTTGAGCACTTGAATAGTGT[C>T]TGTCGTACCAGGCATTACGGCCATCACAGGACTTCCATCTGAGGTAGATTTGTTAGCATT-3'
Protein context (NP_803187.1, residues 1256-1276): PVMAVMPGTT[Asp1266Asn]TIQVLKGRMD